The following is an entry in ClinVar:

NM_198578.4(LRRK2):c.4835C>T (p.Thr1612Ile)

Gene: LRRK2 (leucine rich repeat kinase 2; plus strand). Cytogenetic location: 12q12.
Variant type: single nucleotide variant.
Coding change: c.4835C>T on transcript NM_198578.4 (MANE Select); coding-DNA position 4835, C replaced by T.
Protein change: p.Thr1612Ile; replaces threonine 1612 with isoleucine.
Molecular consequence: missense variant.
Genome position (GRCh38, 1-based): chr12:40,319,995, C>T. VCF-style: chr12-40319995-C-T. GRCh37 (hg19) VCF-style: chr12-40713797-C-T.
Other names: short protein forms T1612I.
Identifiers: ClinVar variation 3367238 (VCV003367238.1).

ClinVar aggregate classification (germline): Uncertain significance (1 of 4 stars; one submission).

gnomAD v4.1: 2 of 1,607,790 alleles (0.00012%); highest among the groups gnomAD compares: Non-Finnish European, 0.00017%; no homozygotes.

Submission:

GeneDx
Classification: Uncertain significance. Last evaluated: 2023-12-29. Review status: criteria provided, single submitter. Criteria: GeneDx Variant Classification Process June 2021. Collection method: clinical testing. Allele origin: germline. Affected: yes.
Comment: Not observed at significant frequency in large population cohorts (gnomAD); In silico analysis supports that this missense variant has a deleterious effect on protein structure/function; Has not been previously published as pathogenic or benign to our knowledge